The following is an entry in ClinVar:

ClinVar aggregate classification (germline): Uncertain significance (1 of 4 stars; one submission).

Submission:

Labcorp Genetics (formerly Invitae), Labcorp
Classification: Uncertain significance. Last evaluated: 2021-05-03. Review status: criteria provided, single submitter. Criteria: Invitae Variant Classification Sherloc (09022015). Collection method: clinical testing. Allele origin: germline.
Comment: In summary, the available evidence is currently insufficient to determine the role of this variant in disease. Therefore, it has been classified as a Variant of Uncertain Significance. This sequence change replaces proline with serine at codon 5 of the TK2 protein (p.Pro5Ser). The proline residue is weakly conserved and there is a moderate physicochemical difference between proline and serine. The frequency data for this variant in the population databases is considered unreliable, as metrics indicate insufficient coverage at this position in the ExAC database. This variant has not been reported in the literature in individuals with TK2-related conditions. Advanced modeling of protein sequence and biophysical properties (such as structural, functional, and spatial information, amino acid conservation, physicochemical variation, residue mobility, and thermodynamic stability) performed at Invitae indicates that this missense variant is not expected to disrupt TK2 protein function.

NM_004614.5(TK2):c.13C>T (p.Pro5Ser)

Gene: TK2 (thymidine kinase 2; minus strand). Cytogenetic location: 16q21.
Variant type: single nucleotide variant.
Coding change: c.13C>T on transcript NM_004614.5 (MANE Select); coding-DNA position 13, C replaced by T.
Protein change: p.Pro5Ser; replaces proline 5 with serine.
Molecular consequence: missense variant. On other transcripts: 5 prime UTR variant (2), non-coding transcript variant (1), intron variant (2).
Genome position (GRCh38, 1-based): chr16:66,550,049, G>A on the plus strand (C>T on the coding strand, the complement: TK2 is on the minus strand). VCF-style: chr16-66550049-G-A. GRCh37 (hg19) VCF-style: chr16-66583952-G-A.
Other names: c.13C>T, p.Pro5Ser (NM_001172644.2, NM_001172645.2); c.-230C>T (NM_001271934.2); c.-640C>T (NM_001272050.2); c.31+204C>T (NM_001271935.1, NM_001172643.1); short protein forms P5S.
Identifiers: ClinVar variation 1488306 (VCV001488306.7), dbSNP rs1567544384, ClinGen allele CA396194461.